The following is an entry in ClinVar:

ClinVar aggregate classification (germline): Likely pathogenic (1 of 4 stars; one submission).

Submission:

Labcorp Genetics (formerly Invitae), Labcorp
Classification: Likely pathogenic. Last evaluated: 2019-03-12. Review status: criteria provided, single submitter. Criteria: Invitae Variant Classification Sherloc (09022015). Collection method: clinical testing. Allele origin: germline.
Comment: In summary, the currently available evidence indicates that the variant is pathogenic, but additional data are needed to prove that conclusively. Therefore, this variant has been classified as Likely Pathogenic. Donor and acceptor splice site variants typically lead to a loss of protein function (PMID: 16199547), and loss-of-function variants in SLC12A6 are known to be pathogenic (PMID: 12368912, 16606917). Algorithms developed to predict the effect of sequence changes on RNA splicing suggest that this variant may disrupt the consensus splice site, but this prediction has not been confirmed by published transcriptional studies. This variant has not been reported in the literature in individuals with SLC12A6-related conditions. This variant is not present in population databases (ExAC no frequency). This sequence change affects a donor splice site in intron 18 of the SLC12A6 gene. It is expected to disrupt RNA splicing and likely results in an absent or disrupted protein product.

Literature cited by the submitters: PubMed 16199547; PubMed 12368912; PubMed 16606917.

NM_001365088.1(SLC12A6):c.2436+2T>C

Gene: SLC12A6 (solute carrier family 12 member 6; minus strand). Cytogenetic location: 15q14.
Variant type: single nucleotide variant.
Coding change: c.2436+2T>C on transcript NM_001365088.1 (MANE Select); the canonical splice donor site of the intron after coding-DNA position 2436, T replaced by C.
Molecular consequence: splice donor variant.
Genome position (GRCh38, 1-based): chr15:34,240,659, A>G on the plus strand (T>C on the coding strand, the complement: SLC12A6 is on the minus strand). VCF-style: chr15-34240659-A-G. GRCh37 (hg19) VCF-style: chr15-34532860-A-G.
Other names: c.2259+2T>C (NM_001042495.2, NM_001042494.2); c.2409+2T>C (NM_001042496.2); c.2391+2T>C (NM_001042497.2); c.2436+2T>C (NM_133647.2); c.2283+2T>C (NM_005135.2).
Identifiers: ClinVar variation 856312 (VCV000856312.8), dbSNP rs1891579114, ClinGen allele CA391619534.
Genomic context (GRCh38, chr15:34,240,659, plus strand): 5'-TTACTACTTAACATCACAAAGCTGTAAACTGAGTTCCAATACCTCAAAAGCCTGACTCTT[A>G]CCTGCTCAGCAGCTAAAGCTTCACCGTAGTTCTCTAGGAAGTTCCCCACGATGACAGAGC-3'